The following is an entry in ClinVar:

NM_001281775.3(ZMYND8):c.2447G>A (p.Gly816Glu)

Gene: ZMYND8 (zinc finger MYND-type containing 8; minus strand). Cytogenetic location: 20q13.12.
Variant type: single nucleotide variant.
Coding change: c.2447G>A on transcript NM_001281775.3 (MANE Select); coding-DNA position 2447, G replaced by A.
Protein change: p.Gly816Glu; replaces glycine 816 with glutamic acid.
Molecular consequence: missense variant. On other transcripts: intron variant (2).
Genome position (GRCh38, 1-based): chr20:47,238,976, C>T on the plus strand (G>A on the coding strand, the complement: ZMYND8 is on the minus strand). VCF-style: chr20-47238976-C-T. GRCh37 (hg19) VCF-style: chr20-45867720-C-T.
Other names: c.2387G>A, p.Gly796Glu (NM_001281772.3, NM_001281773.3, NM_001281774.3 and 1 more transcripts); c.2372G>A, p.Gly791Glu (NM_001281777.3, NM_001281778.3, NM_001281782.3 and 1 more transcripts); c.1643G>A, p.Gly548Glu (NM_001281779.3, NM_001281780.3); c.2231G>A, p.Gly744Glu (NM_001281781.3, NM_001281784.3); c.2447G>A, p.Gly816Glu (NM_001281783.3, NM_012408.6, NM_183047.4); c.2468G>A, p.Gly823Glu (NM_001363714.1); c.2210-2460G>A (NM_001281771.3); c.2285-2460G>A (NM_001281776.3); short protein forms G548E, G744E, G791E, G796E, G816E, G823E.
Identifiers: ClinVar variation 3376813 (VCV003376813.1).

ClinVar aggregate classification (germline): Uncertain significance (1 of 4 stars; one submission).

Conditions:
Neurodevelopmental disorder. Identifiers: MedGen C1535926, MeSH D065886, MONDO:0700092.

Submission:

Victorian Clinical Genetics Services, Murdoch Childrens Research Institute
Classification: Uncertain significance for Neurodevelopmental disorder. Last evaluated: 2023-07-16. Review status: criteria provided, single submitter. Criteria: ACMG Guidelines, 2015. Collection method: clinical testing. Allele origin: germline. Inheritance: Autosomal dominant inheritance. Affected: yes.
Comment: Based on the classification scheme VCGS_Germline_v1.3.4, this variant is classified as VUS-3B. Following criteria are met: 0102 - Loss of function is a known mechanism of disease in this gene and is associated with neurodevelopmental disorder, ZMYND8-related (MONDO#0700092; PMID: 3591686). (I) 0107 - This gene is associated with autosomal dominant disease. (I) 0200 - Variant is predicted to result in a missense amino acid change from glycine to glutamic acid. (I) 0251 - This variant is heterozygous. (I) 0301 - Variant is absent from gnomAD (both v2 and v3). (SP) 0309 - An alternative amino acid change at the same position has been observed in gnomAD (v2) (1 heterozygote, 0 homozygotes). (I) 0502 - Missense variant with conflicting in silico predictions and uninformative conservation. (I) 0604 - Variant is not located in an established domain, motif, hotspot or informative constraint region. (I) 0705 - No comparable missense variants have previous evidence for pathogenicity. (I) 0807 - This variant has no previous evidence of pathogenicity. (I) 0905 - No published segregation evidence has been identified for this variant. (I) 1007 - No published functional evidence has been identified for this variant. (I) 1208 - Inheritance information for this variant is not currently available in this individual. (I) Legend: (SP) - Supporting pathogenic, (I) - Information, (SB) - Supporting benign

Literature cited by the submitters: PubMed 35916866; PubMed 3591686.